The following is an entry in ClinVar:

NM_017775.4(TTC19):c.965G>A (p.Ser322Asn)

Gene: TTC19 (tetratricopeptide repeat domain 19; plus strand). Cytogenetic location: 17p12.
Variant type: single nucleotide variant.
Coding change: c.965G>A on transcript NM_017775.4 (MANE Select); coding-DNA position 965, G replaced by A.
Protein change: p.Ser322Asn; replaces serine 322 with asparagine.
Molecular consequence: missense variant.
Genome position (GRCh38, 1-based): chr17:16,026,673, G>A. VCF-style: chr17-16026673-G-A. GRCh37 (hg19) VCF-style: chr17-15929987-G-A.
Other names: c.644G>A, p.Ser215Asn (NM_001271420.2); short protein forms S215N, S322N.
Identifiers: ClinVar variation 2187149 (VCV002187149.4), dbSNP rs772277709, ClinGen allele CA288163959.

ClinVar aggregate classification (germline): Uncertain significance (1 of 4 stars; one submission).

Allele frequency attached by ClinVar (database versions not stated): TOPMed below 0.00001.
gnomAD v4.1: 8 of 1,614,168 alleles (0.0005%); no homozygotes.

Submission:

Labcorp Genetics (formerly Invitae), Labcorp
Classification: Uncertain significance. Last evaluated: 2024-04-15. Review status: criteria provided, single submitter. Criteria: Invitae Variant Classification Sherloc (09022015). Collection method: clinical testing. Allele origin: germline.
Comment: This sequence change replaces serine, which is neutral and polar, with asparagine, which is neutral and polar, at codon 322 of the TTC19 protein (p.Ser322Asn). This variant is not present in population databases (gnomAD no frequency). This variant has not been reported in the literature in individuals affected with TTC19-related conditions. ClinVar contains an entry for this variant (Variation ID: 2187149). Advanced modeling of protein sequence and biophysical properties (such as structural, functional, and spatial information, amino acid conservation, physicochemical variation, residue mobility, and thermodynamic stability) performed at Invitae indicates that this missense variant is not expected to disrupt TTC19 protein function with a negative predictive value of 80%. In summary, the available evidence is currently insufficient to determine the role of this variant in disease. Therefore, it has been classified as a Variant of Uncertain Significance.